The following is an entry in ClinVar:

ClinVar aggregate classification (germline): Benign/Likely benign. Review status: criteria provided, multiple submitters, no conflicts (2 of 4 stars). 5 submissions from 5 submitters: Benign (3); Likely benign (1). 1 of the submissions does not count toward it. Last evaluated 2026-02-01.

Conditions:
Acyl-CoA oxidase deficiency. Also called: Peroxisomal acyl-CoA oxidase deficiency; STRAIGHT-CHAIN ACYL-CoA OXIDASE DEFICIENCY; Pseudoneonatal adrenoleukodystrophy. Identifiers: Orphanet 2971, MedGen C1849678, MONDO:0009919, OMIM 264470. Disease mechanism: loss of function.

Allele frequency attached by ClinVar (database versions not stated): gnomAD exomes 0.00038 and 0.00083; ExAC 0.00099; 1000 Genomes Project 30x 0.00328; 1000 Genomes Project 0.00339; gnomAD 0.00370 and 0.00404; ESP Exome Variant Server 0.00384; TOPMed 0.00433.
gnomAD v4.1: 1,138 of 1,614,150 alleles (0.071%); highest among the groups gnomAD compares: African/African-American, 1.4%; 6 homozygotes.

Submissions (5):

Labcorp Genetics (formerly Invitae), Labcorp
Classification: Benign for Acyl-CoA oxidase deficiency. Last evaluated: 2026-02-01. Review status: criteria provided, single submitter. Criteria: Invitae Variant Classification Sherloc (09022015). Collection method: clinical testing. Allele origin: germline.

CeGaT Center for Human Genetics Tuebingen
Classification: Likely benign. Last evaluated: 2025-07-01. Review status: criteria provided, single submitter. Criteria: CeGaT Center For Human Genetics Tuebingen Variant Classification Criteria Version 2. Collection method: clinical testing. Allele origin: germline. Affected: yes. Observed: 2 variant alleles.
Comment: ACOX1: BP4, BP7, BS1

Mayo Clinic Laboratories, Mayo Clinic
Classification: Benign. Last evaluated: 2024-05-31. Review status: criteria provided, single submitter. Criteria: ACMG Guidelines, 2015. Collection method: clinical testing. Allele origin: germline. Observed: 6 variant alleles.
Comment: BA1, BP4, BP7

Breakthrough Genomics
Classification: Benign. Review status: criteria provided, single submitter. Criteria: ACMG Guidelines, 2015. Collection method: not provided. Allele origin: germline. Inheritance: Autosomal recessive inheritance. Affected: yes.

Natera, Inc.
Classification: Benign for Peroxisomal acyl CoA oxidase deficiency. Last evaluated: 2020-09-16. Review status: no assertion criteria provided. Collection method: clinical testing. Allele origin: germline. Not counted in ClinVar's aggregate classification.

NM_004035.7(ACOX1):c.1302C>T (p.Phe434=)

Gene: ACOX1 (acyl-CoA oxidase 1; minus strand). Cytogenetic location: 17q25.1.
Variant type: single nucleotide variant.
Coding change: c.1302C>T on transcript NM_004035.7 (MANE Select); coding-DNA position 1302, C replaced by T.
Protein change: p.Phe434=; no amino-acid change (phenylalanine 434 retained).
Molecular consequence: synonymous variant.
Genome position (GRCh38, 1-based): chr17:75,949,894, G>A on the plus strand (C>T on the coding strand, the complement: ACOX1 is on the minus strand). VCF-style: chr17-75949894-G-A. GRCh37 (hg19) VCF-style: chr17-73945975-G-A.
Other names: p.Phe434=; c.1302C>T, p.Phe434= (NM_007292.6); c.1188C>T, p.Phe396= (NM_001185039.2).
Identifiers: ClinVar variation 712810 (VCV000712810.36), dbSNP rs144742319, ClinGen allele CA8776800.